The following is an entry in ClinVar:

NM_015166.4(MLC1):c.525+1G>A

Gene: MLC1 (modulator of VRAC current 1; minus strand). Cytogenetic location: 22q13.33.
Variant type: single nucleotide variant.
Coding change: c.525+1G>A on transcript NM_015166.4 (MANE Select); the canonical splice donor site of the intron after coding-DNA position 525, G replaced by A.
Molecular consequence: splice donor variant.
Genome position (GRCh38, 1-based): chr22:50,077,400, C>T on the plus strand (G>A on the coding strand, the complement: MLC1 is on the minus strand). VCF-style: chr22-50077400-C-T. GRCh37 (hg19) VCF-style: chr22-50515829-C-T.
Other names: c.525+1G>A (NM_001376474.1, NM_001376475.1, NM_001376476.1 and 6 more transcripts); c.288+1G>A (NM_001376484.1); c.435+1G>A (NM_001376480.1); c.369+1G>A (NM_001376482.1, NM_001376483.1); c.423+1G>A (NM_001376481.1).
Identifiers: ClinVar variation 371509 (VCV000371509.19), dbSNP rs769135961, ClinGen allele CA10303515.

ClinVar aggregate classification (germline): Pathogenic/Likely pathogenic. Review status: criteria provided, multiple submitters, no conflicts (2 of 4 stars). 5 submissions from 5 submitters: Pathogenic (1); Likely pathogenic (3). 1 of the submissions does not count toward it. Last evaluated 2024-01-02.

Conditions:
Megalencephalic leukoencephalopathy with subcortical cysts 1 (MLC1). Also called: LEUKOENCEPHALOPATHY WITH SWELLING AND CYSTS; VACUOLATING MEGALENCEPHALIC LEUKOENCEPHALOPATHY WITH SUBCORTICAL CYSTS. Identifiers: Orphanet 2478, MedGen C5779875, MONDO:0024555, OMIM 604004.

Allele frequency attached by ClinVar (database versions not stated): TOPMed below 0.00001; ExAC 0.00001; gnomAD exomes 0.00001 and 0.00004.
gnomAD v4.1: 60 of 1,613,312 alleles (0.0037%); highest among the groups gnomAD compares: Non-Finnish European, 0.005%; no homozygotes.

Submissions (5):

Fulgent Genetics
Classification: Likely pathogenic for Megalencephalic leukoencephalopathy with subcortical cysts 1. Last evaluated: 2024-01-02. Review status: criteria provided, single submitter. Criteria: ACMG Guidelines, 2015. Collection method: clinical testing. Allele origin: germline.

Labcorp Genetics (formerly Invitae), Labcorp
Classification: Likely pathogenic. Last evaluated: 2023-12-15. Review status: criteria provided, single submitter. Criteria: Invitae Variant Classification Sherloc (09022015). Collection method: clinical testing. Allele origin: germline.
Comment: This sequence change affects a donor splice site in intron 6 of the MLC1 gene. It is expected to disrupt RNA splicing. Variants that disrupt the donor or acceptor splice site typically lead to a loss of protein function (PMID: 16199547), and loss-of-function variants in MLC1 are known to be pathogenic (PMID: 11254442, 16470554, 24824219). This variant is present in population databases (rs769135961, gnomAD 0.002%). This variant has not been reported in the literature in individuals affected with MLC1-related conditions. ClinVar contains an entry for this variant (Variation ID: 371509). Algorithms developed to predict the effect of sequence changes on RNA splicing suggest that this variant may disrupt the consensus splice site. In summary, the currently available evidence indicates that the variant is pathogenic, but additional data are needed to prove that conclusively. Therefore, this variant has been classified as Likely Pathogenic.

Revvity Omics, Revvity
Classification: Pathogenic for Megalencephalic leukoencephalopathy with subcortical cysts 1. Last evaluated: 2020-03-20. Review status: criteria provided, single submitter. Criteria: ACMG Guidelines, 2015. Collection method: clinical testing. Allele origin: germline.

Genetic Services Laboratory, University of Chicago
Classification: Likely pathogenic. Last evaluated: 2019-07-12. Review status: criteria provided, single submitter. Criteria: ACMG Guidelines, 2015. Collection method: clinical testing. Allele origin: germline. Affected: yes.
Comment: DNA sequence analysis of the MLC1 gene demonstrated a sequence change in the canonical splice donor site of intron 6, c.525+1G>A. This sequence change does not appear to have been previously described in patients with MLC1-related Megalencephalic leukoencephalopathy. This particular sequence change has been described in the gnomAD database in two heterozygous individuals which corresponds to a population frequency of 0.00080% (rs769135961). This sequence change is predicted to affect normal splicing of the MLC1 gene and result in an abnormal protein. Splice site abnormalities are a well described mutation mechanism in this gene. These collective evidences indicate that this sequence change is likely pathogenic.

Counsyl
Classification: Likely pathogenic for Megalencephalic leukoencephalopathy with subcortical cysts 1. Last evaluated: 2016-10-07. Review status: no assertion criteria provided. Collection method: clinical testing. Allele origin: unknown. Not counted in ClinVar's aggregate classification.

Literature cited by the submitters: PubMed 16199547 (cited by Labcorp Genetics (formerly Invitae), Labcorp); PubMed 11254442 (cited by Labcorp Genetics (formerly Invitae), Labcorp); PubMed 16470554 (cited by Labcorp Genetics (formerly Invitae), Labcorp); PubMed 24824219 (cited by Labcorp Genetics (formerly Invitae), Labcorp).